The following is an entry in ClinVar:

NM_003722.5(TP63):c.1042C>G (p.Pro348Ala)

Gene: TP63 (tumor protein p63; plus strand). Cytogenetic location: 3q28.
Variant type: single nucleotide variant.
Coding change: c.1042C>G on transcript NM_003722.5 (MANE Select); coding-DNA position 1042, C replaced by G.
Protein change: p.Pro348Ala; replaces proline 348 with alanine.
Molecular consequence: missense variant.
Genome position (GRCh38, 1-based): chr3:189,868,629, C>G. VCF-style: chr3-189868629-C-G. GRCh37 (hg19) VCF-style: chr3-189586418-C-G.
Other names: c.1042C>G, p.Pro348Ala (NM_001114978.2, NM_001114979.2, NM_001329144.2 and 1 more transcripts); c.760C>G, p.Pro254Ala (NM_001114980.2, NM_001114981.2, NM_001114982.2 and 2 more transcripts); c.505C>G, p.Pro169Ala (NM_001329146.2, NM_001329150.2); c.1036C>G, p.Pro346Ala (NM_001329964.2); short protein forms P254A, P346A, P169A, P348A.
Identifiers: ClinVar variation 659864 (VCV000659864.4), dbSNP rs1577147850, ClinGen allele CA355755189.

ClinVar aggregate classification (germline): Uncertain significance (1 of 4 stars; one submission).

Conditions:
TP63-Related Spectrum Disorders.

Submission:

Labcorp Genetics (formerly Invitae), Labcorp
Classification: Uncertain significance. Last evaluated: 2018-08-15. Review status: criteria provided, single submitter. Criteria: Invitae Variant Classification Sherloc (09022015). Collection method: clinical testing. Allele origin: germline.
Comment: In summary, the available evidence is currently insufficient to determine the role of this variant in disease. Therefore, it has been classified as a Variant of Uncertain Significance. The observation of one or more missense substitutions at this codon (p.Pro349Ser) in affected individuals suggests that this may be a clinically significant residue (PMID:¬†11462173). Algorithms developed to predict the effect of missense changes on protein structure and function are either unavailable or do not agree on the potential impact of this missense change (SIFT: "Deleterious"; PolyPhen-2: "Benign"; Align-GVGD: "Class C25"). This variant has not been reported in the literature in individuals with TP63-related disease. This variant is not present in population databases (ExAC no frequency). This sequence change replaces proline with alanine at codon 348 of the TP63 protein (p.Pro348Ala). The proline residue is highly conserved and there is a small physicochemical difference between proline and alanine.